The following is an entry in ClinVar:

NM_139343.3(BIN1):c.152T>G (p.Phe51Cys)

Gene: BIN1 (bridging integrator 1; minus strand). Cytogenetic location: 2q14.3.
Variant type: single nucleotide variant.
Coding change: c.152T>G on transcript NM_139343.3 (MANE Select); coding-DNA position 152, T replaced by G.
Protein change: p.Phe51Cys; replaces phenylalanine 51 with cysteine.
Molecular consequence: missense variant.
Genome position (GRCh38, 1-based): chr2:127,076,639, A>C on the plus strand (T>G on the coding strand, the complement: BIN1 is on the minus strand). VCF-style: chr2-127076639-A-C. GRCh37 (hg19) VCF-style: chr2-127834215-A-C.
Other names: c.152T>G, p.Phe51Cys (NM_001320632.2, NM_001320633.2, NM_001320640.2 and 10 more transcripts); c.80T>G, p.Phe27Cys (NM_001320634.1); c.71T>G, p.Phe24Cys (NM_001320642.1); short protein forms F24C, F27C, F51C.
Identifiers: ClinVar variation 3713496 (VCV003713496.2).
Genomic context (GRCh38, chr2:127,076,639, plus strand): 5'-GCCGAATTTTCACAAACTCCCTAAGGCCAAGGGCCACCCACACTCACCAGCTGCTTGTTG[A>C]AATTCTGGACGCACTGCTCAAACTGCTCATCCTTGGTCTCATCTGCCTTCCCCAGCTTCT-3'
Protein context (NP_647593.1, residues 41-61): DEQFEQCVQN[Phe51Cys]NKQLTEGTRL

ClinVar aggregate classification (germline): Uncertain significance (1 of 4 stars; one submission).

Conditions:
Myopathy, centronuclear, 2 (CNM2). Also called: MYOTUBULAR MYOPATHY, AUTOSOMAL RECESSIVE. Identifiers: Orphanet 169186, MedGen CN031787, MONDO:0009709, OMIM 255200.

gnomAD v4.1: 2 of 1,613,968 alleles (0.00012%); highest among the groups gnomAD compares: African/African-American, 0.0027%; no homozygotes.

Submission:

Labcorp Genetics (formerly Invitae), Labcorp
Classification: Uncertain significance for Myopathy, centronuclear, 2. Last evaluated: 2024-05-03. Review status: criteria provided, single submitter. Criteria: Invitae Variant Classification Sherloc (09022015). Collection method: clinical testing. Allele origin: germline.
Comment: This sequence change replaces phenylalanine, which is neutral and non-polar, with cysteine, which is neutral and slightly polar, at codon 51 of the BIN1 protein (p.Phe51Cys). This variant is not present in population databases (gnomAD no frequency). This variant has not been reported in the literature in individuals affected with BIN1-related conditions. Advanced modeling of protein sequence and biophysical properties (such as structural, functional, and spatial information, amino acid conservation, physicochemical variation, residue mobility, and thermodynamic stability) performed at Invitae indicates that this missense variant is expected to disrupt BIN1 protein function with a positive predictive value of 80%. In summary, the available evidence is currently insufficient to determine the role of this variant in disease. Therefore, it has been classified as a Variant of Uncertain Significance.